The following is an entry in ClinVar:

ClinVar aggregate classification (germline): Uncertain significance (1 of 4 stars; one submission).

Submission:

Labcorp Genetics (formerly Invitae), Labcorp
Classification: Uncertain significance. Last evaluated: 2024-10-17. Review status: criteria provided, single submitter. Criteria: Invitae Variant Classification Sherloc (09022015). Collection method: clinical testing. Allele origin: germline.
Comment: This sequence change replaces aspartic acid, which is acidic and polar, with glutamic acid, which is acidic and polar, at codon 163 of the NOG protein (p.Asp163Glu). This variant is not present in population databases (gnomAD no frequency). This variant has not been reported in the literature in individuals affected with NOG-related conditions. An algorithm developed to predict the effect of missense changes on protein structure and function (PolyPhen-2) suggests that this variant is likely to be disruptive. In summary, the available evidence is currently insufficient to determine the role of this variant in disease. Therefore, it has been classified as a Variant of Uncertain Significance.

NM_005450.6(NOG):c.489C>G (p.Asp163Glu)

Gene: NOG (noggin; plus strand). Cytogenetic location: 17q22.
Variant type: single nucleotide variant.
Coding change: c.489C>G on transcript NM_005450.6 (MANE Select); coding-DNA position 489, C replaced by G.
Protein change: p.Asp163Glu; replaces aspartic acid 163 with glutamic acid.
Molecular consequence: missense variant.
Genome position (GRCh38, 1-based): chr17:56,594,712, C>G. VCF-style: chr17-56594712-C-G. GRCh37 (hg19) VCF-style: chr17-54672073-C-G.
Other names: short protein forms D163E.
Identifiers: ClinVar variation 3723220 (VCV003723220.2).
Genomic context (GRCh38, chr17:56,594,712, plus strand): 5'-GAAGTTACAGATGTGGCTGTGGTCGCAGACATTCTGCCCCGTGCTGTACGCGTGGAACGA[C>G]CTGGGCAGCCGCTTTTGGCCGCGCTACGTGAAGGTGGGCAGCTGCTTCAGTAAGCGCTCG-3'
Protein context (NP_005441.1, residues 153-173): TFCPVLYAWN[Asp163Glu]LGSRFWPRYV